The following is an entry in ClinVar:

NM_025077.4(TOE1):c.1379C>T (p.Pro460Leu)

Genes: MUTYH (mutY DNA glycosylase; minus strand), TOE1 (target of EGR1, exonuclease; plus strand). Cytogenetic location: 1p34.1.
Variant type: single nucleotide variant.
Coding change: c.1379C>T on transcript NM_025077.4 (MANE Select); coding-DNA position 1379, C replaced by T.
Protein change: p.Pro460Leu; replaces proline 460 with leucine.
Molecular consequence: missense variant.
Genome position (GRCh38, 1-based): chr1:45,343,548, C>T. VCF-style: chr1-45343548-C-T. GRCh37 (hg19) VCF-style: chr1-45809220-C-T.
Other names: short protein forms P460L.
Identifiers: ClinVar variation 777908 (VCV000777908.17), dbSNP rs149059377, ClinGen allele CA826822.

ClinVar aggregate classification (germline): Benign/Likely benign. Review status: criteria provided, multiple submitters, no conflicts (2 of 4 stars). 5 submissions from 5 submitters: Benign (1); Likely benign (3). 1 of the submissions does not count toward it. Last evaluated 2026-01-19.

Conditions:
TOE1-related disorder. Also called: TOE1-related condition.
Pontocerebellar hypoplasia type 7. Identifiers: Orphanet 284339, MedGen C3554226, MONDO:0013993, OMIM 614969.

Allele frequency attached by ClinVar (database versions not stated): gnomAD exomes 0.00075; 1000 Genomes Project 0.00319; TOPMed 0.00266; gnomAD 0.00231 and 0.00223; ESP Exome Variant Server 0.00331; ExAC 0.00087; 1000 Genomes Project 30x 0.00344.
gnomAD v4.1: 1,113 of 1,614,032 alleles (0.069%); highest among the groups gnomAD compares: African/African-American, 0.81%; 7 homozygotes.

Submissions (5):

Labcorp Genetics (formerly Invitae), Labcorp
Classification: Benign. Last evaluated: 2026-01-19. Review status: criteria provided, single submitter. Criteria: Invitae Variant Classification Sherloc (09022015). Collection method: clinical testing. Allele origin: germline.

Fulgent Genetics
Classification: Likely benign for Pontocerebellar hypoplasia type 7. Last evaluated: 2022-02-14. Review status: criteria provided, single submitter. Criteria: ACMG Guidelines, 2015. Collection method: clinical testing. Allele origin: unknown.

Genetic Services Laboratory, University of Chicago
Classification: Likely benign. Last evaluated: 2020-11-11. Review status: criteria provided, single submitter. Criteria: ACMG Guidelines, 2015. Collection method: clinical testing. Allele origin: germline. Affected: no.

Breakthrough Genomics
Classification: Likely benign. Review status: criteria provided, single submitter. Criteria: ACMG Guidelines, 2015. Collection method: not provided. Allele origin: germline. Inheritance: Autosomal recessive inheritance. Affected: yes.

PreventionGenetics, part of Exact Sciences
Classification: Benign for TOE1-related condition. Last evaluated: 2023-12-18. Review status: no assertion criteria provided. Collection method: clinical testing. Allele origin: germline. Not counted in ClinVar's aggregate classification.
Comment: This variant is classified as benign based on ACMG/AMP sequence variant interpretation guidelines (Richards et al. 2015 PMID: 25741868, with internal and published modifications).